The following continues an entry in ClinVar:

NM_007294.4(BRCA1):c.5503C>T (p.Arg1835Ter)

Gene: BRCA1. ClinVar aggregate classification (germline): Pathogenic. Pathogenic (1).

Submissions 22 to 34 of 60:

KCCC/NGS Laboratory, Kuwait Cancer Control Center
Classification: Pathogenic for Breast-ovarian cancer, familial, susceptibility to, 1. Last evaluated: 2023-09-13. Review status: criteria provided, single submitter. Criteria: ACMG Guidelines, 2015. Collection method: clinical testing. Allele origin: germline. Inheritance: Autosomal dominant inheritance. Affected: yes. Observed: 1 heterozygote. Not counted in ClinVar's aggregate classification.
Comment: This sequence change creates a premature translational stop signal (p.Arg1856*) in the BRCA1 gene. While this is not anticipated to result in nonsense mediated decay, it is expected to disrupt the last 29 amino acid(s) of the BRCA1 protein. This variant is present in population databases (rs41293465, gnomAD 0.006%). This premature translational stop signal has been observed in individual(s) with breast, ovarian, and bladder cancer (PMID: 8554067, 10486320, 11802209, 16683254, 19949876, 23704984, 27553291). This variant is also known as 5622C>T. ClinVar contains an entry for this variant (Variation ID: 55601). Functional studies have shown that although this variant does not trigger nonsense-mediated mRNA decay (PMID: 12393792), it results in a truncated protein lacking the last few amino acid residues and displayed loss of activity (PMID: 11157798). This suggests that this is a clinically significant region of the protein, and that variants that disrupt it are likely to be disease-causing. For these reasons, this variant has been classified as Pathogenic.

CeGaT Center for Human Genetics Tuebingen
Classification: Pathogenic. Last evaluated: 2023-07-01. Review status: criteria provided, single submitter. Criteria: CeGaT Center For Human Genetics Tuebingen Variant Classification Criteria Version 2. Collection method: clinical testing. Allele origin: germline. Affected: yes. Observed: 3 variant alleles. Not counted in ClinVar's aggregate classification.
Comment: BRCA1: PVS1, PM2, PS3:Supporting

GeneDx
Classification: Pathogenic. Last evaluated: 2023-06-09. Review status: criteria provided, single submitter. Criteria: GeneDx Variant Classification Process June 2021. Collection method: clinical testing. Allele origin: germline. Affected: yes. Not counted in ClinVar's aggregate classification.
Comment: Nonsense variant predicted to result in protein truncation in a gene for which loss of function is a known mechanism of disease; Reported in association with hereditary breast and/or ovarian cancer (Serova et al., 1996; Meindl, 2002; Rashid et al., 2006; van der Hout et al., 2006; Borg et al., 2010; Cunningham et al., 2014; Kwong et al., 2016); Published functional studies demonstrate a damaging effect: variant classified as non-functional based on a saturation genome editing (SGE) assay measuring cell survival (Findlay et al., 2018); Truncating variants in this gene are considered pathogenic by a well-established clinical consortium and/or database; Not observed at significant frequency in large population cohorts (gnomAD); Also known as 5622C>T; This variant is associated with the following publications: (PMID: 12360400, 24504028, 16998791, 29176636, 8554067, 25682074, 26541979, 25085752, 26898890, 26848529, 21559243, 17591843, 11260866, 9796975, 27767231, 25066507, 16683254, 27553291, 15026808, 29922827, 28888541, 34282142, 20727672, 26404129, 10505028, 18465347, 10486320, 26028024, 25722380, 27157322, 12601471, 12960223, 18375895, 11920621, 16782705, 12393792, 24578176, 9760198, 20104584, 24728189, 27194814, 23569316, 16644204, 11739404, 11802209, 9667259, 10699917, 16528604, 26976419, 24249303, 19949876, 23704984, 28324225, 29339979, 29752822, 29470806, 28724667, 28993434, 29310832, 30702160, 29446198, 31090900, 31528241, 30855176, 30291343, 32338768, 33758026, 35356428, 33804961, 35377489, 33087929, 30875412, 32710294, 32719484, 31825140, 33654310, 36988593, 30209399)

Baylor Genetics
Classification: Pathogenic for Breast-ovarian cancer, familial, susceptibility to, 1. Last evaluated: 2022-09-14. Review status: criteria provided, single submitter. Criteria: ACMG Guidelines, 2015. Collection method: clinical testing. Allele origin: unknown. Not counted in ClinVar's aggregate classification.

Genetic Services Laboratory, University of Chicago
Classification: Pathogenic. Last evaluated: 2022-01-03. Review status: criteria provided, single submitter. Criteria: ACMG Guidelines, 2015. Collection method: clinical testing. Allele origin: germline. Affected: yes. Not counted in ClinVar's aggregate classification.
Comment: DNA sequence analysis of the BRCA1 gene demonstrated a sequence change, c.5503C>T, which results in the creation of a premature stop codon at amino acid position 1835, p.Arg1835*. This sequence change is reported in the gnomAD database with a global population frequency of 0.0012% (dbSNP rs41293465). This sequence change has been described in multiple individuals and families with breast, ovarian and bladder cancer (PMID: 27553291, 8554067, 10486320,11802209, 16683254,19949876, 23704984,31528241). Of note, this alteration is also designated as 5622C>T in published literature. Functional studies have shown that although this variant does not trigger nonsense-mediated mRNA decay (PMID: 12393792), it results in a truncated protein lacking the last few amino acid residues and displayed loss of activity (PMID: 11157798). These collective evidences indicate that this sequence change is pathogenic.

Institute for Clinical Genetics, University Hospital TU Dresden, University Hospital TU Dresden
Classification: Pathogenic. Last evaluated: 2021-11-03. Review status: criteria provided, single submitter. Criteria: ACMG Guidelines, 2015. Collection method: clinical testing. Allele origin: germline. Not counted in ClinVar's aggregate classification.

Fulgent Genetics
Classification: Pathogenic for Familial cancer of breast; Breast-ovarian cancer, familial, susceptibility to, 1; Pancreatic cancer, susceptibility to, 4; Fanconi anemia, complementation group S. Last evaluated: 2021-09-29. Review status: criteria provided, single submitter. Criteria: ACMG Guidelines, 2015. Collection method: clinical testing. Allele origin: unknown. Not counted in ClinVar's aggregate classification.

Women's Health and Genetics/Laboratory Corporation of America, LabCorp
Classification: Pathogenic for Hereditary breast and ovarian cancer syndrome. Last evaluated: 2020-12-28. Review status: criteria provided, single submitter. Criteria: LabCorp Variant Classification Summary - May 2015. Collection method: clinical testing. Allele origin: germline. Not counted in ClinVar's aggregate classification.
Comment: Variant summary: BRCA1 c.5503C>T (p.Arg1835X) results in a premature termination codon, predicted to cause a truncation of the encoded protein or absence of the protein due to nonsense mediated decay, which are commonly known mechanisms for disease. The variant allele was found at a frequency of 1.2e-05 in 251278 control chromosomes. c.5503C>T has been widely reported in the literature in multiple individuals affected with Hereditary Breast And Ovarian Cancer Syndrome (example, Rebbeck_2018). These data indicate that the variant is very likely to be associated with disease. To our knowledge, no experimental evidence demonstrating an impact on protein function has been reported. Multiple clinical diagnostic laboratories and one expert panel (ENIGMA) have submitted clinical-significance assessments for this variant to ClinVar after 2014 without evidence for independent evaluation. All submitters classified the variant as pathogenic. Based on the evidence outlined above, the variant was classified as pathogenic.

Sema4
Classification: Pathogenic for Hereditary cancer-predisposing syndrome. Last evaluated: 2020-12-08. Review status: criteria provided, single submitter. Criteria: Sema4 Curation Guidelines. Collection method: curation. Allele origin: germline. Not counted in ClinVar's aggregate classification.
Comment: The BRCA1 c.5503C>T (p.R1835X) variant has been reported in several individuals with breast and/or ovarian cancer (PMID: 24504028, 27553291). Functional studies have shown that this variant alters the protein function (PMID: 30209399). As this variant is not predicted to cause nonsense-mediated decay, the protein product is expected to be truncated. This variant was observed in 2/30616 chromosomes in the South Asian (SAS) population, according to the Genome Aggregation Database (PMID: 27535533). Based on the current evidence available, this variant is interpreted as pathogenic.

Institute of Medical Genetics and Applied Genomics, University Hospital Tübingen
Classification: Pathogenic. Last evaluated: 2020-10-23. Review status: criteria provided, single submitter. Criteria: ACMG Guidelines, 2015. Collection method: clinical testing. Allele origin: germline. Inheritance: Unknown mechanism. Affected: yes. Not counted in ClinVar's aggregate classification.

GeneKor MSA
Classification: Pathogenic for Hereditary Breast Carcinoma. Last evaluated: 2020-01-01. Review status: criteria provided, single submitter. Criteria: ACMG Guidelines, 2015. Collection method: clinical testing. Allele origin: germline. Affected: yes. Not counted in ClinVar's aggregate classification.
Comment: This variant is a single amino acid change from Arginine to a termination codon at amino acid residue 1835 of the BRCA1 gene. It is expected to result in a truncated, non-functional protein. Truncating variants in BRCA1 are known to be pathogenic.

Laboratory for Molecular Medicine, Mass General Brigham Personalized Medicine
Classification: Pathogenic for Hereditary breast ovarian cancer syndrome. Last evaluated: 2019-05-08. Review status: criteria provided, single submitter. Criteria: ACMG Guidelines, 2015. Collection method: clinical testing. Allele origin: germline. Inheritance: Autosomal dominant inheritance. Not counted in ClinVar's aggregate classification.
Comment: The p.Arg1835X variant in BRCA1 has been identified in >50 individuals with BRCA1-associated cancers (Breast Cancer Information Core (BIC) database). This variant has been identified in 2/30616 South Asian chromosomes by the Genome Aggregation Database (GnomAD); however, this frequency is low enough to be consistent with the frequency of hereditary breast and ovarian cancer (HBOC) in the general population. This nonsense variant leads to a premature termination codon at position 1835. This alteration occurs within the last exon and is more likely to escape nonsense mediated decay (NMD), resulting in a truncated protein. However, in vitro functional studies provide some evidence that this truncation may impact protein function (Ye 2001). Furthermore, this variant was classified as Pathogenic on Apr 22, 2016 by the ClinGen-approved ENIGMA Expert Panel (ClinVar SCV000282345.1). In summary, this variant meets criteria to be classified as pathogenic for autosomal dominant hereditary breast and ovarian cancer (HBOC) based upon its frequency in affected individuals and absence from controls. ACMG/AMP Criteria applied: PVS1_Strong, PS4, PS3_Supporting, PM2.

Clinical Genetics and Genomics, Karolinska University Hospital
Classification: Pathogenic. Last evaluated: 2018-04-10. Review status: criteria provided, single submitter. Criteria: ACMG Guidelines, 2015. Collection method: clinical testing. Allele origin: germline. Affected: yes. Observed: 1 variant allele. Not counted in ClinVar's aggregate classification.